The following is an entry in ClinVar:

NM_001958.5(EEF1A2):c.772+31C>A

Gene: EEF1A2 (eukaryotic translation elongation factor 1 alpha 2; minus strand). Cytogenetic location: 20q13.33.
Variant type: single nucleotide variant.
Coding change: c.772+31C>A on transcript NM_001958.5 (MANE Select); 31 bases into the intron after coding-DNA position 772, C replaced by A.
Molecular consequence: intron variant.
Genome position (GRCh38, 1-based): chr20:63,493,106, G>T on the plus strand (C>A on the coding strand, the complement: EEF1A2 is on the minus strand). VCF-style: chr20-63493106-G-T. GRCh37 (hg19) VCF-style: chr20-62124459-G-T.
Identifiers: ClinVar variation 680013 (VCV000680013.5), dbSNP rs12480745, ClinGen allele CA9959036.
Genomic context (GRCh38, chr20:63,493,106, plus strand): 5'-CAGCCCAGTCTTGAGATGCCTTGTAGGGGCCCCTGGTCTAGGGCAGGCAGAGCTGGCCAG[G>T]CAGGAGCTCCAGCACAGCGCCCTTGCTCACCGCCAATCTTGTACACGTCCTGCAGCGGCA-3'

ClinVar aggregate classification (germline): Benign. Review status: criteria provided, multiple submitters, no conflicts (2 of 4 stars). 4 submissions from 3 submitters: Benign (4). Last evaluated 2021-07-30.

Conditions:
Developmental and epileptic encephalopathy, 33 (DEE33). Also called: Epileptic encephalopathy, early infantile, 33. Identifiers: Orphanet 442835, MedGen C4225337, MONDO:0014625, OMIM 616409.
Intellectual developmental disorder, autosomal dominant 38. Also called: PSYCHOMOTOR RETARDATION, EPILEPSY, AND LANGUAGE DISABILITY SYNDROME; Intellectual disability, autosomal dominant 38. Identifiers: MedGen C4225343, MONDO:0014617, OMIM 616393.

Allele frequency attached by ClinVar (database versions not stated): 1000 Genomes Project 30x 0.16802; TOPMed 0.21908; ExAC 0.25793; 1000 Genomes Project 0.16653; ESP Exome Variant Server 0.18607; gnomAD 0.21133 and 0.21260; gnomAD exomes 0.25849.
gnomAD v4.1: 401,482 of 1,540,118 alleles (26%); highest among the groups gnomAD compares: Admixed American, 37%; 56,033 homozygotes.

Submissions (4):

Genome-Nilou Lab
Classification: Benign for Developmental and epileptic encephalopathy, 33. Last evaluated: 2021-07-30. Review status: criteria provided, single submitter. Criteria: ACMG Guidelines, 2015. Collection method: clinical testing. Allele origin: germline. Affected: no.

Genome-Nilou Lab
Classification: Benign for Intellectual developmental disorder, autosomal dominant 38. Last evaluated: 2021-07-30. Review status: criteria provided, single submitter. Criteria: ACMG Guidelines, 2015. Collection method: clinical testing. Allele origin: germline. Affected: no.

GeneDx
Classification: Benign. Last evaluated: 2018-06-14. Review status: criteria provided, single submitter. Criteria: GeneDx Variant Classification (06012015). Collection method: clinical testing. Allele origin: germline. Affected: yes.
Comment: This variant is considered likely benign or benign based on one or more of the following criteria: it is a conservative change, it occurs at a poorly conserved position in the protein, it is predicted to be benign by multiple in silico algorithms, and/or has population frequency not consistent with disease.

Breakthrough Genomics
Classification: Benign. Review status: criteria provided, single submitter. Criteria: ACMG Guidelines, 2015. Collection method: not provided. Allele origin: germline. Inheritance: Autosomal dominant inheritance. Affected: yes.